The following is an entry in ClinVar:

NM_000038.6(APC):c.5763T>G (p.Gly1921=)

Gene: APC (APC regulator of Wnt signaling pathway; plus strand). Cytogenetic location: 5q22.2.
Variant type: single nucleotide variant.
Coding change: c.5763T>G on transcript NM_000038.6 (MANE Select); coding-DNA position 5763, T replaced by G.
Protein change: p.Gly1921=; no amino-acid change (glycine 1921 retained).
Molecular consequence: synonymous variant.
Genome position (GRCh38, 1-based): chr5:112,841,357, T>G. VCF-style: chr5-112841357-T-G. GRCh37 (hg19) VCF-style: chr5-112177054-T-G.
Other names: c.5763T>G, p.Gly1921= (NM_001127510.3, NM_001354895.2); c.5709T>G, p.Gly1903= (NM_001127511.3); c.5817T>G, p.Gly1939= (NM_001354896.2); c.5793T>G, p.Gly1931= (NM_001354897.2); c.5688T>G, p.Gly1896= (NM_001354898.2); c.5679T>G, p.Gly1893= (NM_001354899.2); c.5640T>G, p.Gly1880= (NM_001354900.2); c.5586T>G, p.Gly1862= (NM_001354901.2); and 6 more.
Identifiers: ClinVar variation 1091477 (VCV001091477.12), dbSNP rs2149948571, ClinGen allele CA446209441.

ClinVar aggregate classification (germline): Benign/Likely benign. Review status: criteria provided, multiple submitters, no conflicts (2 of 4 stars). 3 submissions from 3 submitters: Benign (1); Likely benign (2). Last evaluated 2024-04-02.

Conditions:
Hereditary cancer-predisposing syndrome. Also called: Hereditary Cancer Syndrome; Neoplastic Syndromes, Hereditary; Hereditary neoplastic syndrome; Tumor predisposition. Identifiers: Orphanet 140162, MedGen C0027672, MeSH D009386, MONDO:0015356.
Familial adenomatous polyposis 1 (FAP1). Also called: POLYPOSIS, ADENOMATOUS INTESTINAL; FAMILIAL ADENOMATOUS POLYPOSIS 1, ATTENUATED. Identifiers: MedGen C2713442, MONDO:0021056, OMIM 175100. Disease mechanism: loss of function.

Submissions (3):

Myriad Genetics, Inc.
Classification: Benign for Familial adenomatous polyposis 1. Last evaluated: 2024-04-02. Review status: criteria provided, single submitter. Criteria: Myriad Autosomal Dominant, Autosomal Recessive and X-Linked Classification Criteria (2023). Collection method: clinical testing. Allele origin: unknown.
Comment: This variant is considered benign. This variant is a silent/synonymous amino acid change and it is not expected to impact splicing.

Ambry Genetics
Classification: Likely benign for Hereditary cancer-predisposing syndrome. Last evaluated: 2023-10-19. Review status: criteria provided, single submitter. Criteria: Ambry Variant Classification Scheme 2023. Collection method: clinical testing. Allele origin: germline.

Labcorp Genetics (formerly Invitae), Labcorp
Classification: Likely benign for Familial adenomatous polyposis 1. Last evaluated: 2019-05-22. Review status: criteria provided, single submitter. Criteria: Invitae Variant Classification Sherloc (09022015). Collection method: clinical testing. Allele origin: germline.